The following is an entry in ClinVar:

NM_015602.4(TOR1AIP1):c.751A>G (p.Arg251Gly)

Gene: TOR1AIP1 (torsin 1A interacting protein 1; plus strand). Cytogenetic location: 1q25.2.
Variant type: single nucleotide variant.
Coding change: c.751A>G on transcript NM_015602.4 (MANE Select); coding-DNA position 751, A replaced by G.
Protein change: p.Arg251Gly; replaces arginine 251 with glycine.
Molecular consequence: missense variant.
Genome position (GRCh38, 1-based): chr1:179,903,977, A>G. VCF-style: chr1-179903977-A-G. GRCh37 (hg19) VCF-style: chr1-179873112-A-G.
Other names: c.754A>G, p.Arg252Gly (NM_001267578.2); short protein forms R251G, R252G.
Identifiers: ClinVar variation 2170387 (VCV002170387.4), dbSNP rs745835251, ClinGen allele CA1268941.

ClinVar aggregate classification (germline): Uncertain significance (1 of 4 stars; one submission).

Conditions:
Autosomal recessive limb-girdle muscular dystrophy type 2Y (MRRSDC). Also called: Muscular dystrophy, limb-girdle, type 2y; Muscular dystrophy, autosomal recessive, with rigid spine and distal joint contractures. Identifiers: Orphanet 424261, MedGen C4511482, MONDO:0014900, OMIM 617072.

Allele frequency attached by ClinVar (database versions not stated): gnomAD exomes 0.00001; ExAC 0.00002.
gnomAD v4.1: 4 of 1,602,886 alleles (0.00025%); highest among the groups gnomAD compares: Non-Finnish European, 0.00026%; no homozygotes.

Submission:

Labcorp Genetics (formerly Invitae), Labcorp
Classification: Uncertain significance for Autosomal recessive limb-girdle muscular dystrophy type 2Y. Last evaluated: 2022-07-04. Review status: criteria provided, single submitter. Criteria: Invitae Variant Classification Sherloc (09022015). Collection method: clinical testing. Allele origin: germline.
Comment: In summary, the available evidence is currently insufficient to determine the role of this variant in disease. Therefore, it has been classified as a Variant of Uncertain Significance. Algorithms developed to predict the effect of missense changes on protein structure and function output the following: SIFT: "Tolerated"; PolyPhen-2: "Benign"; Align-GVGD: "Class C0". The glycine amino acid residue is found in multiple mammalian species, which suggests that this missense change does not adversely affect protein function. This variant has not been reported in the literature in individuals affected with TOR1AIP1-related conditions. This variant is present in population databases (rs745835251, gnomAD 0.002%). This sequence change replaces arginine, which is basic and polar, with glycine, which is neutral and non-polar, at codon 252 of the TOR1AIP1 protein (p.Arg252Gly).